The following is an entry in ClinVar:

ClinVar aggregate classification (germline): Pathogenic (1 of 4 stars; one submission).

Conditions:
Citrin deficiency. Identifiers: Orphanet 247582, MedGen C1997910, MONDO:0016602.

Submission:

Labcorp Genetics (formerly Invitae), Labcorp
Classification: Pathogenic for Citrin deficiency. Last evaluated: 2023-04-20. Review status: criteria provided, single submitter. Criteria: Invitae Variant Classification Sherloc (09022015). Collection method: clinical testing. Allele origin: germline.
Comment: For these reasons, this variant has been classified as Pathogenic. Algorithms developed to predict the effect of sequence changes on RNA splicing suggest that this variant may disrupt the consensus splice site. Disruption of this splice site has been observed in individuals with citrin deficiency (PMID: 17982687, 33627582). This variant is not present in population databases (gnomAD no frequency). This sequence change affects a donor splice site in intron 12 of the SLC25A13 gene. It is expected to disrupt RNA splicing. Variants that disrupt the donor or acceptor splice site typically lead to a loss of protein function (PMID: 16199547), and loss-of-function variants in SLC25A13 are known to be pathogenic (PMID: 10369257, 14680984, 27405544).

Literature cited by the submitters: PubMed 17982687; PubMed 33627582; PubMed 16199547; PubMed 10369257; PubMed 14680984; PubMed 27405544.

NM_014251.3(SLC25A13):c.1230+1G>A

Gene: SLC25A13 (solute carrier family 25 member 13; minus strand). Cytogenetic location: 7q21.3.
Variant type: single nucleotide variant.
Coding change: c.1230+1G>A on transcript NM_014251.3 (MANE Select); the canonical splice donor site of the intron after coding-DNA position 1230, G replaced by A.
Molecular consequence: splice donor variant.
Genome position (GRCh38, 1-based): chr7:96,171,471, C>T on the plus strand (G>A on the coding strand, the complement: SLC25A13 is on the minus strand). VCF-style: chr7-96171471-C-T. GRCh37 (hg19) VCF-style: chr7-95800783-C-T.
Other names: c.1233+1G>A (NM_001160210.2).
Identifiers: ClinVar variation 2910214 (VCV002910214.3), dbSNP rs571127452, ClinGen allele CA368259049.